The following is an entry in ClinVar:

NM_005184.4(CALM3):c.421+4A>G

Gene: CALM3 (calmodulin 3; plus strand). Cytogenetic location: 19q13.32.
Variant type: single nucleotide variant.
Coding change: c.421+4A>G on transcript NM_005184.4 (MANE Select); 4 bases into the intron after coding-DNA position 421, A replaced by G.
Molecular consequence: intron variant.
Genome position (GRCh38, 1-based): chr19:46,608,985, A>G. VCF-style: chr19-46608985-A-G. GRCh37 (hg19) VCF-style: chr19-47112242-A-G.
Other names: c.313+4A>G (NM_001329921.1, NM_001329924.2, NM_001329926.2 and 2 more transcripts); c.421+4A>G (NM_001329922.1, NM_005184.3).
Identifiers: ClinVar variation 409869 (VCV000409869.11), dbSNP rs373529765, ClinGen allele CA9529832.

ClinVar aggregate classification (germline): Conflicting classifications of pathogenicity. Review status: criteria provided, conflicting classifications (1 of 4 stars). 3 submissions from 3 submitters: Uncertain significance (2); Likely benign (1). Last evaluated 2026-01-26.

Conditions:
Long QT syndrome 16. Identifiers: MedGen C5394068, MONDO:0032915, OMIM 618782.
Cardiovascular phenotype. Identifiers: MedGen CN230736.
Long QT syndrome 1 (LQT1). Identifiers: Orphanet 101016, Orphanet 768, MedGen C4551647, MONDO:0100316, OMIM 192500, MONDO:0008646.

Allele frequency attached by ClinVar (database versions not stated): gnomAD exomes 0.00002 and 0.00004; ExAC 0.00004; ESP Exome Variant Server 0.00008; gnomAD 0.00017 and 0.00018; TOPMed 0.00017; 1000 Genomes Project 30x 0.00031.
gnomAD v4.1: 55 of 1,600,258 alleles (0.0034%); highest among the groups gnomAD compares: African/African-American, 0.07%; no homozygotes.

Submissions (3):

Labcorp Genetics (formerly Invitae), Labcorp
Classification: Uncertain significance for Long QT syndrome 1. Last evaluated: 2026-01-26. Review status: criteria provided, single submitter. Criteria: Invitae Variant Classification Sherloc (09022015). Collection method: clinical testing. Allele origin: germline.
Comment: This sequence change falls in intron 5 of the CALM3 gene. It does not directly change the encoded amino acid sequence of the CALM3 protein. It affects a nucleotide within the consensus splice site. This variant is present in population databases (rs373529765, gnomAD 0.06%), and has an allele count higher than expected for a pathogenic variant. This variant has not been reported in the literature in individuals affected with CALM3-related conditions. ClinVar contains an entry for this variant (Variation ID: 409869). Variants that disrupt the consensus splice site are a relatively common cause of aberrant splicing (PMID: 17576681, 9536098). Algorithms developed to predict the effect of sequence changes on RNA splicing suggest that this variant is not likely to affect RNA splicing. In summary, the available evidence is currently insufficient to determine the role of this variant in disease. Therefore, it has been classified as a Variant of Uncertain Significance.

Ambry Genetics
Classification: Likely benign for Cardiovascular phenotype. Last evaluated: 2023-07-03. Review status: criteria provided, single submitter. Criteria: Ambry Variant Classification Scheme 2023. Collection method: clinical testing. Allele origin: germline.

New York Genome Center
Classification: Uncertain significance for Long QT syndrome 16. Last evaluated: 2022-04-15. Review status: criteria provided, single submitter. Criteria: NYGC Assertion Criteria 2020. Collection method: clinical testing. Allele origin: germline. Observed: 1 heterozygote.

Literature cited by the submitters: PubMed 17576681 (cited by Labcorp Genetics (formerly Invitae), Labcorp); PubMed 9536098 (cited by Labcorp Genetics (formerly Invitae), Labcorp).